The following is an entry in ClinVar:

NM_015450.3(POT1):c.1814G>A (p.Cys605Tyr)

Gene: POT1 (protection of telomeres 1; minus strand). Cytogenetic location: 7q31.33.
Variant type: single nucleotide variant.
Coding change: c.1814G>A on transcript NM_015450.3 (MANE Select); coding-DNA position 1814, G replaced by A.
Protein change: p.Cys605Tyr; replaces cysteine 605 with tyrosine.
Molecular consequence: missense variant. On other transcripts: non-coding transcript variant (3).
Genome position (GRCh38, 1-based): chr7:124,824,053, C>T on the plus strand (G>A on the coding strand, the complement: POT1 is on the minus strand). VCF-style: chr7-124824053-C-T. GRCh37 (hg19) VCF-style: chr7-124464107-C-T.
Other names: c.1421G>A, p.Cys474Tyr (NM_001042594.2); c.1814G>A (NM_015450.2); short protein forms C474Y, C605Y.
Identifiers: ClinVar variation 4810781 (VCV004810781.2).

ClinVar aggregate classification (germline): Uncertain significance. Review status: criteria provided, multiple submitters, no conflicts (2 of 4 stars). 2 submissions from 2 submitters: Uncertain significance (2). Last evaluated 2026-03-20.

Conditions:
Hereditary cancer-predisposing syndrome. Also called: Hereditary neoplastic syndrome; Neoplastic Syndromes, Hereditary; Tumor predisposition; Hereditary Cancer Syndrome. Identifiers: Orphanet 140162, MedGen C0027672, MeSH D009386, MONDO:0015356.
Tumor predisposition syndrome 3 (TPDS3). Also called: Melanoma, cutaneous malignant, susceptibility to, 10; Glioma susceptibility 9; LONG TELOMERE SYNDROME, POT1-RELATED; POT1 Tumor Predisposition. Identifiers: Orphanet 618, MedGen C4014476, MONDO:0014368, OMIM 615848.

gnomAD v4.1: 1 of 1,604,594 alleles (0.000062%); highest among the groups gnomAD compares: Non-Finnish European, 0.000085%; no homozygotes.

Submissions (2):

Ambry Genetics
Classification: Uncertain significance for Hereditary cancer-predisposing syndrome. Last evaluated: 2026-03-20. Review status: criteria provided, single submitter. Criteria: Ambry Variant Classification Scheme 2023. Collection method: clinical testing. Allele origin: germline.
Comment: The p.C605Y variant (also known as c.1814G>A), located in coding exon 15 of the POT1 gene, results from a G to A substitution at nucleotide position 1814. The cysteine at codon 605 is replaced by tyrosine, an amino acid with highly dissimilar properties. This amino acid position is conserved. In addition, this alteration is predicted to be deleterious by in silico analysis. Based on the available evidence, the clinical significance of this variant remains unclear.

Labcorp Genetics (formerly Invitae), Labcorp
Classification: Uncertain significance for Tumor predisposition syndrome 3. Last evaluated: 2025-09-10. Review status: criteria provided, single submitter. Criteria: Invitae Variant Classification Sherloc (09022015). Collection method: clinical testing. Allele origin: germline.
Comment: This sequence change replaces cysteine, which is neutral and slightly polar, with tyrosine, which is neutral and polar, at codon 605 of the POT1 protein (p.Cys605Tyr). This variant is not present in population databases (gnomAD no frequency). This variant has not been reported in the literature in individuals affected with POT1-related conditions. Invitae Evidence Modeling of protein sequence and biophysical properties (such as structural, functional, and spatial information, amino acid conservation, physicochemical variation, residue mobility, and thermodynamic stability) indicates that this missense variant is not expected to disrupt POT1 protein function with a negative predictive value of 80%. In summary, the available evidence is currently insufficient to determine the role of this variant in disease. Therefore, it has been classified as a Variant of Uncertain Significance.